The following is an entry in ClinVar:

NM_004958.4(MTOR):c.7204A>G (p.Thr2402Ala)

Gene: MTOR (mechanistic target of rapamycin kinase; minus strand). Cytogenetic location: 1p36.22.
Variant type: single nucleotide variant.
Coding change: c.7204A>G on transcript NM_004958.4 (MANE Select); coding-DNA position 7204, A replaced by G.
Protein change: p.Thr2402Ala; replaces threonine 2402 with alanine.
Molecular consequence: missense variant.
Genome position (GRCh38, 1-based): chr1:11,114,414, T>C on the plus strand (A>G on the coding strand, the complement: MTOR is on the minus strand). VCF-style: chr1-11114414-T-C. GRCh37 (hg19) VCF-style: chr1-11174471-T-C.
Other names: c.7204A>G, p.Thr2402Ala (NM_001386500.1); c.5956A>G, p.Thr1986Ala (NM_001386501.1); short protein forms T1986A, T2402A.
Identifiers: ClinVar variation 2502499 (VCV002502499.5), dbSNP rs2100316484, ClinGen allele CA338381151.

ClinVar aggregate classification (germline): Uncertain significance. Review status: criteria provided, multiple submitters, no conflicts (2 of 4 stars). 4 submissions from 4 submitters: Uncertain significance (4). Last evaluated 2025-05-12.

Submissions (4):

Women's Health and Genetics/Laboratory Corporation of America, LabCorp
Classification: Uncertain significance. Last evaluated: 2025-05-12. Review status: criteria provided, single submitter. Criteria: LabCorp Variant Classification Summary - May 2015. Collection method: clinical testing. Allele origin: germline.
Comment: Variant summary: MTOR c.7204A>G (p.Thr2402Ala) results in a non-conservative amino acid change in the encoded protein sequence. Algorithms developed to predict the effect of missense changes on protein structure and function are either unavailable or do not agree on the potential impact of this missense change. The variant was absent in 251254 control chromosomes. The available data on variant occurrences in the general population are insufficient to allow any conclusion about variant significance. To our knowledge, no occurrence of c.7204A>G in individuals affected with Smith-Kingsmore Syndrome and no experimental evidence demonstrating its impact on protein function have been reported. ClinVar contains an entry for this variant (Variation ID: 2502499). Based on the evidence outlined above, the variant was classified as uncertain significance.

Labcorp Genetics (formerly Invitae), Labcorp
Classification: Uncertain significance. Last evaluated: 2024-12-02. Review status: criteria provided, single submitter. Criteria: Invitae Variant Classification Sherloc (09022015). Collection method: clinical testing. Allele origin: germline.
Comment: This sequence change replaces threonine, which is neutral and polar, with alanine, which is neutral and non-polar, at codon 2402 of the MTOR protein (p.Thr2402Ala). This variant is not present in population databases (gnomAD no frequency). This variant has not been reported in the literature in individuals affected with MTOR-related conditions. ClinVar contains an entry for this variant (Variation ID: 2502499). Invitae Evidence Modeling of protein sequence and biophysical properties (such as structural, functional, and spatial information, amino acid conservation, physicochemical variation, residue mobility, and thermodynamic stability) indicates that this missense variant is not expected to disrupt MTOR protein function with a negative predictive value of 95%. In summary, the available evidence is currently insufficient to determine the role of this variant in disease. Therefore, it has been classified as a Variant of Uncertain Significance.

GeneDx
Classification: Uncertain significance. Last evaluated: 2022-11-21. Review status: criteria provided, single submitter. Criteria: GeneDx Variant Classification Process June 2021. Collection method: clinical testing. Allele origin: germline. Affected: yes.
Comment: Not observed at significant frequency in large population cohorts (gnomAD); In silico analysis supports that this missense variant does not alter protein structure/function; Has not been previously published as pathogenic or benign to our knowledge

Blueprint Genetics
Classification: Uncertain significance. Last evaluated: 2021-09-15. Review status: criteria provided, single submitter. Criteria: ACMG Guidelines, 2015. Collection method: clinical testing. Allele origin: germline.